The following is an entry in ClinVar:

ClinVar aggregate classification (germline): Uncertain significance (1 of 4 stars; one submission).

Submission:

GeneDx
Classification: Uncertain significance. Last evaluated: 2020-02-24. Review status: criteria provided, single submitter. Criteria: GeneDx Variant Classification Process June 2021. Collection method: clinical testing. Allele origin: germline. Affected: yes.
Comment: Not observed in large population cohorts (Lek et al., 2016); In silico analysis supports that this missense variant has a deleterious effect on protein structure/function; Has not been previously published as pathogenic or benign to our knowledge

NM_001111125.3(IQSEC2):c.883C>T (p.Arg295Trp)

Gene: IQSEC2 (IQ motif and Sec7 domain ArfGEF 2; minus strand). Cytogenetic location: Xp11.22.
Variant type: single nucleotide variant.
Coding change: c.883C>T on transcript NM_001111125.3 (MANE Select); coding-DNA position 883, C replaced by T.
Protein change: p.Arg295Trp; replaces arginine 295 with tryptophan.
Molecular consequence: missense variant.
Genome position (GRCh38, 1-based): chrX:53,255,916, G>A on the plus strand (C>T on the coding strand, the complement: IQSEC2 is on the minus strand). VCF-style: chrX-53255916-G-A. GRCh37 (hg19) VCF-style: chrX-53285098-G-A.
Other names: c.268C>T, p.Arg90Trp (NM_015075.2); short protein forms R295W, R90W.
Identifiers: ClinVar variation 1315406 (VCV001315406.2), dbSNP rs2147127878, ClinGen allele CA413171614.